The following is an entry in ClinVar:

NM_007294.4(BRCA1):c.5193+22C>G

Gene: BRCA1 (BRCA1 DNA repair associated; minus strand). Cytogenetic location: 17q21.31.
Variant type: single nucleotide variant.
Coding change: c.5193+22C>G on transcript NM_007294.4 (MANE Select); 22 bases into the intron after coding-DNA position 5193, C replaced by G.
Molecular consequence: intron variant.
Genome position (GRCh38, 1-based): chr17:43,063,311, G>C on the plus strand (C>G on the coding strand, the complement: BRCA1 is on the minus strand). VCF-style: chr17-43063311-G-C. GRCh37 (hg19) VCF-style: chr17-41215328-G-C.
Other names: c.1740+22C>G (NM_001408458.1, NM_001408461.1, NM_001408464.1 and 7 more transcripts); c.4302+22C>G (NM_001407967.1); c.4812+22C>G (NM_001407959.1); c.4926+22C>G (NM_001407931.1, NM_001407932.1, NM_001407928.1 and 4 more transcripts); c.5049+22C>G (NM_001407747.1, NM_001407745.1, NM_001407737.1 and 21 more transcripts); c.4809+22C>G (NM_001407962.1, NM_001407960.1); c.1380+22C>G (NM_001408512.1); c.1503+22C>G (NM_001408510.1); and 72 more.
Identifiers: ClinVar variation 867814 (VCV000867814.3), dbSNP rs8176260, ClinGen allele CA916079990.
Genomic context (GRCh38, chr17:43,063,311, plus strand): 5'-CATTGATGGAAGGAAGCAAATACATTTTTAACTATATGACTGAATGAATATCTCTGGTTA[G>C]TTTGTAACATCAAGTACTTACCTCATTCAGCATTTTTCTTTCTTTAATAGACTGGGTCAC-3'

Conditions:
Breast-ovarian cancer, familial, susceptibility to, 1 (BROVCA1). Also called: BRCA1 Hereditary Breast and Ovarian Cancer; OVARIAN CANCER, SUSCEPTIBILITY TO. Identifiers: Orphanet 145, MedGen C2676676, MONDO:0011450, OMIM 604370. Disease mechanism: loss of function.

Submission:

Brotman Baty Institute, University of Washington
No classification provided (evidence only). Condition: Breast-ovarian cancer, familial 1. Review status: no classification provided. Collection method: in vitro. Allele origin: not applicable. Functional consequence: functionally_normal.
ClinVar note: "not provided" was previously submitted as the classification for the variant. However, the classification appeared to be based only on an observation of functional data so it was converted to no classification on 2025-07-30.